The following is an entry in ClinVar:

NM_016038.4(SBDS):c.148G>A (p.Val50Ile)

Gene: SBDS (SBDS ribosome maturation factor; minus strand). Cytogenetic location: 7q11.21.
Variant type: single nucleotide variant.
Coding change: c.148G>A on transcript NM_016038.4 (MANE Select); coding-DNA position 148, G replaced by A.
Protein change: p.Val50Ile; replaces valine 50 with isoleucine.
Molecular consequence: missense variant.
Genome position (GRCh38, 1-based): chr7:66,994,322, C>T on the plus strand (G>A on the coding strand, the complement: SBDS is on the minus strand). VCF-style: chr7-66994322-C-T. GRCh37 (hg19) VCF-style: chr7-66459309-C-T.
Other names: short protein forms V50I.
Identifiers: ClinVar variation 4864059 (VCV004864059.1).
Genomic context (GRCh38, chr7:66,994,322, plus strand): 5'-CTTCCTTTTTGGCAACCTGACCTTTAGAAACATTTACAAACACTGAGTGGGTCTGCAGAA[C>T]TTCATCGAGGTCTTTTTCCCTTGTGAGGGCAGGAGAGAAAGTCCTATGTGAATATACTTG-3'
Protein context (NP_057122.2, residues 40-60): RSGVEKDLDE[Val50Ile]LQTHSVFVNV

ClinVar aggregate classification (germline): Uncertain significance (1 of 4 stars; one submission).

Conditions:
Inborn genetic diseases. Identifiers: MedGen C0950123, MeSH D030342.

Submission:

Ambry Genetics
Classification: Uncertain significance for Inborn genetic diseases. Last evaluated: 2026-05-14. Review status: criteria provided, single submitter. Criteria: Ambry Variant Classification Scheme 2023. Collection method: clinical testing. Allele origin: germline.
Comment: The p.V50I variant (also known as c.148G>A), located in coding exon 2 of the SBDS gene, results from a G to A substitution at nucleotide position 148. The valine at codon 50 is replaced by isoleucine, an amino acid with highly similar properties. This amino acid position is conserved. In addition, the in silico prediction for this alteration is inconclusive. Based on the available evidence, the clinical significance of this variant remains unclear.